The following is an entry in ClinVar:

ClinVar aggregate classification (germline): Likely benign (1 of 4 stars; one submission).

Allele frequency attached by ClinVar (database versions not stated): 1000 Genomes Project 30x 0.00031; 1000 Genomes Project 0.00040.
gnomAD v4.1: 278 of 1,581,972 alleles (0.018%); highest among the groups gnomAD compares: South Asian, 0.15%; 2 homozygotes.

Submission:

CeGaT Center for Human Genetics Tuebingen
Classification: Likely benign. Last evaluated: 2022-10-01. Review status: criteria provided, single submitter. Criteria: CeGaT Center For Human Genetics Tuebingen Variant Classification Criteria Version 2. Collection method: clinical testing. Allele origin: germline. Affected: yes. Observed: 1 variant allele.
Comment: ARHGEF10L: BP4

NM_018125.4(ARHGEF10L):c.290C>A (p.Ala97Glu)

Gene: ARHGEF10L (Rho guanine nucleotide exchange factor 10 like; plus strand). Cytogenetic location: 1p36.13.
Variant type: single nucleotide variant.
Coding change: c.290C>A on transcript NM_018125.4 (MANE Select); coding-DNA position 290, C replaced by A.
Protein change: p.Ala97Glu; replaces alanine 97 with glutamic acid.
Molecular consequence: missense variant. On other transcripts: non-coding transcript variant (2).
Genome position (GRCh38, 1-based): chr1:17,602,159, C>A. VCF-style: chr1-17602159-C-A. GRCh37 (hg19) VCF-style: chr1-17928654-C-A.
Other names: c.290C>A, p.Ala97Glu (NM_001011722.2, NM_001319837.2); short protein forms A97E.
Identifiers: ClinVar variation 2638397 (VCV002638397.24), dbSNP rs140059332, ClinGen allele CA642682.